The following is an entry in ClinVar:

ClinVar aggregate classification (germline): Uncertain significance (1 of 4 stars; one submission).

Allele frequency attached by ClinVar (database versions not stated): gnomAD exomes below 0.00001; TOPMed 0.00001.
gnomAD v4.1: 1 of 1,614,092 alleles (0.000062%); highest among the groups gnomAD compares: Admixed American, 0.0017%; no homozygotes.

Submission:

Labcorp Genetics (formerly Invitae), Labcorp
Classification: Uncertain significance. Last evaluated: 2022-07-23. Review status: criteria provided, single submitter. Criteria: Invitae Variant Classification Sherloc (09022015). Collection method: clinical testing. Allele origin: germline.
Comment: This variant is present in population databases (no rsID available, gnomAD 0.003%). This sequence change replaces glycine, which is neutral and non-polar, with glutamic acid, which is acidic and polar, at codon 1265 of the BPTF protein (p.Gly1265Glu). This variant has not been reported in the literature in individuals affected with BPTF-related conditions. Algorithms developed to predict the effect of missense changes on protein structure and function output the following: SIFT: "Tolerated"; PolyPhen-2: "Benign"; Align-GVGD: "Class C0". The glutamic acid amino acid residue is found in multiple mammalian species, which suggests that this missense change does not adversely affect protein function. In summary, the available evidence is currently insufficient to determine the role of this variant in disease. Therefore, it has been classified as a Variant of Uncertain Significance.

NM_182641.4(BPTF):c.3416G>A (p.Gly1139Glu)

Gene: BPTF (bromodomain PHD finger transcription factor; plus strand). Cytogenetic location: 17q24.2.
Variant type: single nucleotide variant.
Coding change: c.3416G>A on transcript NM_182641.4 (MANE Select); coding-DNA position 3416, G replaced by A.
Protein change: p.Gly1139Glu; replaces glycine 1139 with glutamic acid.
Molecular consequence: missense variant.
Genome position (GRCh38, 1-based): chr17:67,911,300, G>A. VCF-style: chr17-67911300-G-A. GRCh37 (hg19) VCF-style: chr17-65907416-G-A.
Other names: c.3794G>A, p.Gly1265Glu (NM_004459.7); short protein forms G1139E, G1265E.
Identifiers: ClinVar variation 1713587 (VCV001713587.5), dbSNP rs1260811656, ClinGen allele CA400726493.